The following is an entry in ClinVar:

ClinVar aggregate classification (germline): Uncertain significance (1 of 4 stars; one submission).

Conditions:
Perlman syndrome (PRLMNS). Identifiers: Orphanet 2849, MedGen C0796113, MONDO:0009965, OMIM 267000.

Submission:

Labcorp Genetics (formerly Invitae), Labcorp
Classification: Uncertain significance for Perlman syndrome. Last evaluated: 2023-06-06. Review status: criteria provided, single submitter. Criteria: Invitae Variant Classification Sherloc (09022015). Collection method: clinical testing. Allele origin: germline.
Comment: In summary, the available evidence is currently insufficient to determine the role of this variant in disease. Therefore, it has been classified as a Variant of Uncertain Significance. Advanced modeling of protein sequence and biophysical properties (such as structural, functional, and spatial information, amino acid conservation, physicochemical variation, residue mobility, and thermodynamic stability) performed at Invitae indicates that this missense variant is not expected to disrupt DIS3L2 protein function. This variant has not been reported in the literature in individuals affected with DIS3L2-related conditions. This variant is not present in population databases (gnomAD no frequency). This sequence change replaces alanine, which is neutral and non-polar, with threonine, which is neutral and polar, at codon 297 of the DIS3L2 protein (p.Ala297Thr).

NM_152383.5(DIS3L2):c.889G>A (p.Ala297Thr)

Gene: DIS3L2 (DIS3 like 3'-5' exoribonuclease 2; plus strand). Cytogenetic location: 2q37.1.
Variant type: single nucleotide variant.
Coding change: c.889G>A on transcript NM_152383.5 (MANE Select); coding-DNA position 889, G replaced by A.
Protein change: p.Ala297Thr; replaces alanine 297 with threonine.
Molecular consequence: missense variant. On other transcripts: non-coding transcript variant (1).
Genome position (GRCh38, 1-based): chr2:232,136,658, G>A. VCF-style: chr2-232136658-G-A. GRCh37 (hg19) VCF-style: chr2-233001368-G-A.
Other names: c.889G>A, p.Ala297Thr (NM_001257281.2); short protein forms A297T.
Identifiers: ClinVar variation 2693855 (VCV002693855.3), dbSNP rs2469848713, ClinGen allele CA351153812.